The following is an entry in ClinVar:

NM_002439.5(MSH3):c.3368C>G (p.Thr1123Arg)

Gene: MSH3 (mutS homolog 3; plus strand). Cytogenetic location: 5q14.1.
Variant type: single nucleotide variant.
Coding change: c.3368C>G on transcript NM_002439.5 (MANE Select); coding-DNA position 3368, C replaced by G.
Protein change: p.Thr1123Arg; replaces threonine 1123 with arginine.
Molecular consequence: missense variant.
Genome position (GRCh38, 1-based): chr5:80,875,816, C>G. VCF-style: chr5-80875816-C-G. GRCh37 (hg19) VCF-style: chr5-80171635-C-G.
Other names: short protein forms T1123R.
Identifiers: ClinVar variation 661319 (VCV000661319.14), dbSNP rs1043139375, ClinGen allele CA121753336.
Genomic context (GRCh38, chr5:80,875,816, plus strand): 5'-GACTCAAGTATTTTGCAAAGTTATGGACGATGCATAATGCACAAGACCTGCAGAAGTGGA[C>G]AGAGGAGTTCAACATGGAAGAAACACAGACTTCTCTTCTTCATTAAAATGAAGACTACAT-3'
Protein context (NP_002430.3, residues 1113-1133): MHNAQDLQKW[Thr1123Arg]EEFNMEETQT

ClinVar aggregate classification (germline): Uncertain significance. Review status: criteria provided, multiple submitters, no conflicts (2 of 4 stars). 3 submissions from 3 submitters: Uncertain significance (3). Last evaluated 2025-12-22.

Conditions:
Hereditary cancer-predisposing syndrome. Also called: Neoplastic Syndromes, Hereditary; Tumor predisposition; Hereditary neoplastic syndrome; Hereditary Cancer Syndrome. Identifiers: Orphanet 140162, MedGen C0027672, MeSH D009386, MONDO:0015356.

Allele frequency attached by ClinVar (database versions not stated): gnomAD exomes below 0.00001; gnomAD 0.00001; TOPMed 0.00002.
gnomAD v4.1: 49 of 1,613,590 alleles (0.003%); highest among the groups gnomAD compares: Non-Finnish European, 0.004%; no homozygotes.

Submissions (3):

Labcorp Genetics (formerly Invitae), Labcorp
Classification: Uncertain significance. Last evaluated: 2025-12-22. Review status: criteria provided, single submitter. Criteria: Invitae Variant Classification Sherloc (09022015). Collection method: clinical testing. Allele origin: germline.
Comment: This sequence change replaces threonine, which is neutral and polar, with arginine, which is basic and polar, at codon 1123 of the MSH3 protein (p.Thr1123Arg). This variant is present in population databases (no rsID available, gnomAD 0.0009%). This variant has not been reported in the literature in individuals affected with MSH3-related conditions. ClinVar contains an entry for this variant (Variation ID: 661319). An algorithm developed to predict the effect of missense changes on protein structure and function outputs the following: PolyPhen-2: "Benign". The arginine amino acid residue is found in multiple mammalian species, which suggests that this missense change does not adversely affect protein function. In summary, the available evidence is currently insufficient to determine the role of this variant in disease. Therefore, it has been classified as a Variant of Uncertain Significance.

Ambry Genetics
Classification: Uncertain significance for Hereditary cancer-predisposing syndrome. Last evaluated: 2024-08-21. Review status: criteria provided, single submitter. Criteria: Ambry Variant Classification Scheme 2023. Collection method: clinical testing. Allele origin: germline.
Comment: The p.T1123R variant (also known as c.3368C>G), located in coding exon 24 of the MSH3 gene, results from a C to G substitution at nucleotide position 3368. The threonine at codon 1123 is replaced by arginine, an amino acid with similar properties. This amino acid position is not well conserved in available vertebrate species. In addition, this alteration is predicted to be tolerated by in silico analysis. Since supporting evidence is limited at this time, the clinical significance of this alteration remains unclear.

GeneDx
Classification: Uncertain significance. Last evaluated: 2024-02-12. Review status: criteria provided, single submitter. Criteria: GeneDx Variant Classification Process June 2021. Collection method: clinical testing. Allele origin: germline. Affected: yes.
Comment: Not observed at significant frequency in large population cohorts (gnomAD); In silico analysis supports that this missense variant does not alter protein structure/function; Has not been previously published as pathogenic or benign to our knowledge; This variant is associated with the following publications: (PMID: 29245897)